The following is an entry in ClinVar:

ClinVar aggregate classification (germline): Uncertain significance (1 of 4 stars; one submission).

Allele frequency attached by ClinVar (database versions not stated): ExAC 0.00001.
gnomAD v4.1: 2 of 1,613,076 alleles (0.00012%); highest among the groups gnomAD compares: Non-Finnish European, 0.00017%; no homozygotes.

Submission:

Labcorp Genetics (formerly Invitae), Labcorp
Classification: Uncertain significance. Last evaluated: 2024-10-29. Review status: criteria provided, single submitter. Criteria: Invitae Variant Classification Sherloc (09022015). Collection method: clinical testing. Allele origin: germline.
Comment: This sequence change replaces arginine, which is basic and polar, with glutamine, which is neutral and polar, at codon 2844 of the COL7A1 protein (p.Arg2844Gln). The frequency data for this variant in the population databases is considered unreliable, as metrics indicate poor data quality at this position in the gnomAD database. This variant has not been reported in the literature in individuals affected with COL7A1-related conditions. ClinVar contains an entry for this variant (Variation ID: 2147293). Invitae Evidence Modeling of protein sequence and biophysical properties (such as structural, functional, and spatial information, amino acid conservation, physicochemical variation, residue mobility, and thermodynamic stability) indicates that this missense variant is not expected to disrupt COL7A1 protein function with a negative predictive value of 95%. Algorithms developed to predict the effect of sequence changes on RNA splicing suggest that this variant may create or strengthen a splice site. In summary, the available evidence is currently insufficient to determine the role of this variant in disease. Therefore, it has been classified as a Variant of Uncertain Significance.

NM_000094.4(COL7A1):c.8531G>A (p.Arg2844Gln)

Gene: COL7A1 (collagen type VII alpha 1 chain; minus strand). Cytogenetic location: 3p21.31.
Variant type: single nucleotide variant.
Coding change: c.8531G>A on transcript NM_000094.4 (MANE Select); coding-DNA position 8531, G replaced by A.
Protein change: p.Arg2844Gln; replaces arginine 2844 with glutamine.
Molecular consequence: missense variant.
Genome position (GRCh38, 1-based): chr3:48,565,198, C>T on the plus strand (G>A on the coding strand, the complement: COL7A1 is on the minus strand). VCF-style: chr3-48565198-C-T. GRCh37 (hg19) VCF-style: chr3-48602631-C-T.
Other names: short protein forms R2844Q.
Identifiers: ClinVar variation 2147293 (VCV002147293.3), dbSNP rs758649802, ClinGen allele CA2377948.
Genomic context (GRCh38, chr3:48,565,198, plus strand): 5'-TGGTACTCCTCCACAGAATACTCGGAGTATTCAGAGTACTCATCATCCTCAGGGGGTACC[C>T]GCTCTGCAGGTAGGGCAGGGTGTGCTGGGAGCAGTGGCTGCTGGCCCCGGGGCAAGGTGG-3'
Protein context (NP_000085.1, residues 2834-2854): LRVSHAEEEE[Arg2844Gln]VPPEDDEYSE